The following is an entry in ClinVar:

ClinVar aggregate classification (germline): Uncertain significance. Review status: criteria provided, multiple submitters, no conflicts (2 of 4 stars). 2 submissions from 2 submitters: Uncertain significance (2). Last evaluated 2024-09-01.

Conditions:
Familial temporal lobe epilepsy 7. Identifiers: Orphanet 101046, MedGen C4225327, MONDO:0014639, OMIM 616436.
Norman-Roberts syndrome (LIS2). Also called: Lissencephaly 2 (Norman-Roberts type). Identifiers: Orphanet 89844, MedGen C0796089, MONDO:0009760, OMIM 257320.

Allele frequency attached by ClinVar (database versions not stated): gnomAD exomes below 0.00001; TOPMed below 0.00001.
gnomAD v4.1: 1 of 1,612,728 alleles (0.000062%); highest among the groups gnomAD compares: Non-Finnish European, 0.000085%; no homozygotes.

Submissions (2):

CeGaT Center for Human Genetics Tuebingen
Classification: Uncertain significance. Last evaluated: 2024-09-01. Review status: criteria provided, single submitter. Criteria: CeGaT Center For Human Genetics Tuebingen Variant Classification Criteria Version 2. Collection method: clinical testing. Allele origin: germline. Affected: yes. Observed: 1 variant allele.
Comment: RELN: PM2

Labcorp Genetics (formerly Invitae), Labcorp
Classification: Uncertain significance for Familial temporal lobe epilepsy 7; Norman-Roberts syndrome. Last evaluated: 2022-10-24. Review status: criteria provided, single submitter. Criteria: Invitae Variant Classification Sherloc (09022015). Collection method: clinical testing. Allele origin: germline.
Comment: This sequence change replaces glycine, which is neutral and non-polar, with aspartic acid, which is acidic and polar, at codon 2733 of the RELN protein (p.Gly2733Asp). This variant is not present in population databases (gnomAD no frequency). This variant has not been reported in the literature in individuals affected with RELN-related conditions. ClinVar contains an entry for this variant (Variation ID: 1516990). Advanced modeling of protein sequence and biophysical properties (such as structural, functional, and spatial information, amino acid conservation, physicochemical variation, residue mobility, and thermodynamic stability) performed at Invitae indicates that this missense variant is not expected to disrupt RELN protein function. In summary, the available evidence is currently insufficient to determine the role of this variant in disease. Therefore, it has been classified as a Variant of Uncertain Significance.

NM_005045.4(RELN):c.8198G>A (p.Gly2733Asp)

Genes: RELN (reelin; minus strand), SLC26A5-AS1 (SLC26A5 antisense RNA 1; plus strand). Cytogenetic location: 7q22.1.
Variant type: single nucleotide variant.
Coding change: c.8198G>A on transcript NM_005045.4 (MANE Select); coding-DNA position 8198, G replaced by A.
Protein change: p.Gly2733Asp; replaces glycine 2733 with aspartic acid.
Molecular consequence: missense variant.
Genome position (GRCh38, 1-based): chr7:103,510,927, C>T on the plus strand (G>A on the coding strand, the complement: RELN is on the minus strand). VCF-style: chr7-103510927-C-T. GRCh37 (hg19) VCF-style: chr7-103151374-C-T.
Other names: c.8198G>A, p.Gly2733Asp (NM_173054.3); short protein forms G2733D.
Identifiers: ClinVar variation 1516990 (VCV001516990.20), dbSNP rs1296648504, ClinGen allele CA368761456.